The following is an entry in ClinVar:

NM_000089.4(COL1A2):c.2896C>A (p.His966Asn)

Gene: COL1A2 (collagen type I alpha 2 chain; plus strand). Cytogenetic location: 7q21.3.
Variant type: single nucleotide variant.
Coding change: c.2896C>A on transcript NM_000089.4 (MANE Select); coding-DNA position 2896, C replaced by A.
Protein change: p.His966Asn; replaces histidine 966 with asparagine.
Molecular consequence: missense variant.
Genome position (GRCh38, 1-based): chr7:94,425,810, C>A. VCF-style: chr7-94425810-C-A. GRCh37 (hg19) VCF-style: chr7-94055122-C-A.
Other names: short protein forms H966N.
Identifiers: ClinVar variation 4869132 (VCV004869132.1).

ClinVar aggregate classification (germline): Uncertain significance (1 of 4 stars; one submission).

Conditions:
Cardiovascular phenotype. Identifiers: MedGen CN230736.

Submission:

Ambry Genetics
Classification: Uncertain significance for Cardiovascular phenotype. Last evaluated: 2026-05-14. Review status: criteria provided, single submitter. Criteria: Ambry Variant Classification Scheme 2023. Collection method: clinical testing. Allele origin: germline.
Comment: The p.H966N variant (also known as c.2896C>A), located in coding exon 44 of the COL1A2 gene, results from a C to A substitution at nucleotide position 2896. The histidine at codon 966 is replaced by asparagine, an amino acid with similar properties. This amino acid position is conserved. In addition, this alteration is predicted to be tolerated by in silico analysis. Based on the available evidence, the clinical significance of this variant remains unclear.